The following is an entry in ClinVar:

ClinVar aggregate classification (germline): Uncertain significance. Review status: criteria provided, single submitter (1 of 4 stars). 2 submissions from 2 submitters: Uncertain significance (1). 1 of the submissions does not count toward it. Last evaluated 2022-05-03.

Conditions:
Activated PI3K-delta syndrome. Identifiers: Orphanet 397596, MedGen C3714976, MONDO:0018338.
Immunodeficiency 14 (IMD14A). Also called: IMMUNODEFICIENCY 14A WITH LYMPHOPROLIFERATION, AUTOSOMAL DOMINANT; Activated PI3K Delta Syndrome Type 1 (APDS1); p110-DELTA-ACTIVATING MUTATION CAUSING SENESCENT T CELLS, LYMPHADENOPATHY, AND IMMUNODEFICIENCY; ACTIVATED PI3K-DELTA SYNDROME 1. Identifiers: Orphanet 397596, Orphanet 693661, MedGen C5907821, MONDO:0014222, OMIM 615513.

gnomAD v4.1: 1 of 1,613,826 alleles (0.000062%); no homozygotes.

Submissions (2):

Labcorp Genetics (formerly Invitae), Labcorp
Classification: Uncertain significance for Activated PI3K-delta syndrome. Last evaluated: 2022-05-03. Review status: criteria provided, single submitter. Criteria: Invitae Variant Classification Sherloc (09022015). Collection method: clinical testing. Allele origin: germline.
Comment: This sequence change replaces arginine, which is basic and polar, with leucine, which is neutral and non-polar, at codon 38 of the PIK3CD protein (p.Arg38Leu). This variant is not present in population databases (gnomAD no frequency). This variant has not been reported in the literature in individuals affected with PIK3CD-related conditions. Algorithms developed to predict the effect of missense changes on protein structure and function (SIFT, PolyPhen-2, Align-GVGD) all suggest that this variant is likely to be tolerated. In summary, the available evidence is currently insufficient to determine the role of this variant in disease. Therefore, it has been classified as a Variant of Uncertain Significance.

Immunology Clinic, Ucla
Classification: Likely benign for Activated PI3K-delta syndrome. Review status: no assertion criteria provided. Collection method: research. Allele origin: germline, not applicable. Affected: yes. Functional consequence: gain_of_function_variant. Not counted in ClinVar's aggregate classification.
Comment: The PIK3CD c.113G>T (p.Arg38Leu) variant results in a missense substitution of arginine to leucine at codon 38. This position lies outside of known critical functional domains of the PIK3CD protein. The variant is extremely rare, with a gnomAD exome allele frequency of 0.000000684, consistent with a benign classification in the context of rare disease. Immune profiling showed T follicular helper (TFH) cells at 11.6%, which falls within control levels. Additionally, there was no aberrant activation of the mTOR signaling pathway, indicating preserved PI3K signaling function. These findings do not support immune dysregulation typically associated with gain-of-function PIK3CD variants. Computational predictive tools support a benign interpretation: REVEL score is 0.386 (Benign Supporting), AlphaMissense predicts Benign Moderate (0.1601), and both SIFT (0.108) and SIFT4G (0.159) classify the variant as Benign Moderate to Supporting.Taken together, the normal immune findings, absence of mTOR activation, extremely low population frequency, and consistently benign computational predictions support the classification of PIK3CD c.113G>T (p.Arg38Leu) as Likely Benign

Literature cited by the submitters: PubMed 31031754 (cited by Immunology Clinic, Ucla).

NM_005026.5(PIK3CD):c.113G>T (p.Arg38Leu)

Gene: PIK3CD (phosphatidylinositol-4,5-bisphosphate 3-kinase catalytic subunit delta; plus strand). Cytogenetic location: 1p36.22.
Variant type: single nucleotide variant.
Coding change: c.113G>T on transcript NM_005026.5 (MANE Select); coding-DNA position 113, G replaced by T.
Protein change: p.Arg38Leu; replaces arginine 38 with leucine.
Molecular consequence: missense variant.
Genome position (GRCh38, 1-based): chr1:9,710,568, G>T. VCF-style: chr1-9710568-G-T. GRCh37 (hg19) VCF-style: chr1-9770626-G-T.
Other names: c.113G>T, p.Arg38Leu (NM_001350234.2, NM_001350235.1); short protein forms R38L.
Identifiers: ClinVar variation 2110452 (VCV002110452.6), dbSNP rs761349863, ClinGen allele CA338299595.